The following is an entry in ClinVar:

NM_001170629.2(CHD8):c.28G>C (p.Asp10His)

Gene: CHD8 (chromodomain helicase DNA binding protein 8; minus strand). Cytogenetic location: 14q11.2.
Variant type: single nucleotide variant.
Coding change: c.28G>C on transcript NM_001170629.2 (MANE Select); coding-DNA position 28, G replaced by C.
Protein change: p.Asp10His; replaces aspartic acid 10 with histidine.
Molecular consequence: missense variant. On other transcripts: intron variant (1).
Genome position (GRCh38, 1-based): chr14:21,431,616, C>G on the plus strand (G>C on the coding strand, the complement: CHD8 is on the minus strand). VCF-style: chr14-21431616-C-G. GRCh37 (hg19) VCF-style: chr14-21899775-C-G.
Other names: c.6+195G>C (NM_020920.4); c.28G>C (NM_001170629.1); short protein forms D10H.
Identifiers: ClinVar variation 3366800 (VCV003366800.2).

ClinVar aggregate classification (germline): Uncertain significance. Review status: criteria provided, multiple submitters, no conflicts (2 of 4 stars). 2 submissions from 2 submitters: Uncertain significance (2). Last evaluated 2026-03-20.

Submissions (2):

GeneDx
Classification: Uncertain significance. Last evaluated: 2026-03-20. Review status: criteria provided, single submitter. Criteria: GeneDx Variant Classification Process June 2021. Collection method: clinical testing. Allele origin: germline.
Comment: Not observed at significant frequency in large population cohorts (gnomAD); In silico analysis supports that this missense variant has a deleterious effect on protein structure/function; Has not been previously published as pathogenic or benign to our knowledge

Women's Health and Genetics/Laboratory Corporation of America, LabCorp
Classification: Uncertain significance. Last evaluated: 2024-08-30. Review status: criteria provided, single submitter. Criteria: LabCorp Variant Classification Summary - May 2015. Collection method: clinical testing. Allele origin: germline.
Comment: Variant summary: CHD8 c.28G>C (p.Asp10His) results in a non-conservative amino acid change in the encoded protein sequence. Three of four in-silico tools predict a damaging effect of the variant on protein function. The variant was absent in 143588 control chromosomes. The available data on variant occurrences in the general population are insufficient to allow any conclusion about variant significance. To our knowledge, no occurrence of c.28G>C in individuals affected with CHD8-Related Disorders and no experimental evidence demonstrating its impact on protein function have been reported. No submitters have cited clinical-significance assessments for this variant to ClinVar. Based on the evidence outlined above, the variant was classified as uncertain significance.